The following is an entry in ClinVar:

NM_207346.3(TSEN54):c.624-37A>C

Gene: TSEN54 (tRNA splicing endonuclease subunit 54; plus strand). Cytogenetic location: 17q25.1.
Variant type: single nucleotide variant.
Coding change: c.624-37A>C on transcript NM_207346.3 (MANE Select); 37 bases into the intron before coding-DNA position 624, A replaced by C.
Molecular consequence: intron variant.
Genome position (GRCh38, 1-based): chr17:75,521,668, A>C. VCF-style: chr17-75521668-A-C. GRCh37 (hg19) VCF-style: chr17-73517749-A-C.
Identifiers: ClinVar variation 160137 (VCV000160137.10), dbSNP rs73998306, ClinGen allele CA173738.

ClinVar aggregate classification (germline): Benign. Review status: criteria provided, multiple submitters, no conflicts (2 of 4 stars). 4 submissions from 4 submitters: Benign (3). 1 of the submissions does not count toward it. Last evaluated 2018-06-30.

Allele frequency attached by ClinVar (database versions not stated): gnomAD exomes 0.00623 and 0.01646; ExAC 0.01979; gnomAD 0.06063 and 0.06523; 1000 Genomes Project 0.06430; 1000 Genomes Project 30x 0.06839; ESP Exome Variant Server 0.06858; TOPMed 0.06901.
gnomAD v4.1: 18,693 of 1,608,944 alleles (1.2%); highest among the groups gnomAD compares: African/African-American, 21%; 1,717 homozygotes.

Submissions (4):

GeneDx
Classification: Benign. Last evaluated: 2018-06-30. Review status: criteria provided, single submitter. Criteria: GeneDx Variant Classification Process June 2021. Collection method: clinical testing. Allele origin: germline. Affected: yes.

Breakthrough Genomics
Classification: Benign. Review status: criteria provided, single submitter. Criteria: ACMG Guidelines, 2015. Collection method: not provided. Allele origin: germline. Inheritance: Autosomal recessive inheritance. Affected: yes.

PreventionGenetics, part of Exact Sciences
Classification: Benign. Review status: criteria provided, single submitter. Criteria: ACMG Guidelines, 2015. Collection method: clinical testing. Allele origin: germline.

Genetic Services Laboratory, University of Chicago
Classification: Likely benign. Review status: no assertion criteria provided. Collection method: clinical testing. Allele origin: germline. Inheritance: Autosomal recessive inheritance. Not counted in ClinVar's aggregate classification.
Comment: Likely benign based on allele frequency in 1000 Genomes Project or ESP global frequency and its presence in a patient with a rare or unrelated disease phenotype. NOT Sanger confirmed